The following is an entry in ClinVar:

NC_000008.10:g.(100396546_100403784)_(100589862_100654038)del

Gene: VPS13B (vacuolar protein sorting 13 homolog B; plus strand). Cytogenetic location: 8q22.2.
Variant type: Deletion.
Identifiers: ClinVar variation 3907102 (VCV003907102.1).

ClinVar aggregate classification (germline): Likely pathogenic (1 of 4 stars; one submission).

Conditions:
Cohen syndrome (COH1). Also called: Cutis verticis gyrata, retinitis pigmentosa, and sensorineural deafness; PEPPER SYNDROME. Identifiers: Orphanet 193, MedGen C0265223, MONDO:0008999, OMIM 216550.

Submission:

Women's Health and Genetics/Laboratory Corporation of America, LabCorp
Classification: Likely pathogenic for Cohen syndrome. Last evaluated: 2025-06-16. Review status: criteria provided, single submitter. Criteria: LabCorp Variant Classification Summary - May 2015. Collection method: clinical testing. Allele origin: germline.
Comment: Variant summary: The variant involves the deletion of exons 21-33 in the VPS13B gene. A presumed nomenclature of c. (2934+1_2935-1)_(5295+1_5296-1)del has been designated for the purposes of this classification. This Copy Number Variant (CNV) is predicted to result in an in-frame deletion within this gene, removing a large part (p.979-1765) of the 4022 amino acid long protein, which affects the N-terminal domain (amino acids 1-1654; IPR026854) and the VPS13-like, middle region domain (amino acids 1557-2572; IPR056747) of the encoded protein. The variant was absent in 120780 control chromosomes in the gnomAD database (Structural Variants v4.1 dataset). To our knowledge, no occurrence of c.(2934+1_2935-1)_(5295+1_5296-1)del in individuals affected with Cohen Syndrome and no experimental evidence demonstrating its impact on protein function have been reported. However, within the deleted region multiple missense variants and smaller in-frame multi-exon deletions (e.g. exons 26-32del; PMID 29634382) have been reported in affected individuals (HGMD), indicating the functional importance of the deleted protein region. No submitters have cited clinical-significance assessments for this variant to ClinVar. Based on the evidence outlined above, the variant was classified as likely pathogenic.